The following is an entry in ClinVar:

ClinVar aggregate classification (germline): Uncertain significance. Review status: criteria provided, multiple submitters, no conflicts (2 of 4 stars). 2 submissions from 2 submitters: Uncertain significance (2). Last evaluated 2023-11-03.

gnomAD v4.1: 21 of 1,606,832 alleles (0.0013%); highest among the groups gnomAD compares: East Asian, 0.0022%; no homozygotes.

Submissions (2):

GeneDx
Classification: Uncertain significance. Last evaluated: 2023-11-03. Review status: criteria provided, single submitter. Criteria: GeneDx Variant Classification Process June 2021. Collection method: clinical testing. Allele origin: germline. Affected: yes.
Comment: Identified in a patient with autosomal dominant optic atrophy in published literature (PMID: 15948788); Not observed at significant frequency in large population cohorts (gnomAD); In silico analysis supports that this missense variant has a deleterious effect on protein structure/function; This variant is associated with the following publications: (PMID: 15948788)

Blueprint Genetics
Classification: Uncertain significance. Last evaluated: 2020-07-16. Review status: criteria provided, single submitter. Criteria: ACMG Guidelines, 2015. Collection method: clinical testing. Allele origin: germline.

NM_130837.3(OPA1):c.1933C>T (p.Arg645Trp)

Gene: OPA1 (OPA1 mitochondrial dynamin like GTPase; plus strand). Cytogenetic location: 3q29.
Variant type: single nucleotide variant.
Coding change: c.1933C>T on transcript NM_130837.3 (MANE Select); coding-DNA position 1933, C replaced by T.
Protein change: p.Arg645Trp; replaces arginine 645 with tryptophan.
Molecular consequence: missense variant.
Genome position (GRCh38, 1-based): chr3:193,648,132, C>T. VCF-style: chr3-193648132-C-T. GRCh37 (hg19) VCF-style: chr3-193365921-C-T.
Other names: c.1399C>T, p.Arg467Trp (NM_001354663.2); c.1396C>T, p.Arg466Trp (NM_001354664.2); c.1768C>T, p.Arg590Trp (NM_015560.3); c.1660C>T, p.Arg554Trp (NM_130831.3); c.1714C>T, p.Arg572Trp (NM_130832.3); c.1771C>T, p.Arg591Trp (NM_130833.3); c.1822C>T, p.Arg608Trp (NM_130834.3); c.1825C>T, p.Arg609Trp (NM_130835.3); and 1 more; short protein forms R466W, R467W, R554W, R572W, R590W, R591W, R608W, R609W.
Identifiers: ClinVar variation 3338770 (VCV003338770.2).